The following is an entry in ClinVar:

ClinVar aggregate classification (germline): Pathogenic (1 of 4 stars; one submission).

Submission:

Labcorp Genetics (formerly Invitae), Labcorp
Classification: Pathogenic. Last evaluated: 2022-09-19. Review status: criteria provided, single submitter. Criteria: Invitae Variant Classification Sherloc (09022015). Collection method: clinical testing. Allele origin: germline.
Comment: This variant is not present in population databases (gnomAD no frequency). For these reasons, this variant has been classified as Pathogenic. This premature translational stop signal has been observed in individual(s) with clinical features of PIGB-related conditions (PMID: 31175295). This sequence change creates a premature translational stop signal (p.Gln25*) in the PIGB gene. It is expected to result in an absent or disrupted protein product. Loss-of-function variants in PIGB are known to be pathogenic (PMID: 31256876, 34400385).

Literature cited by the submitters: PubMed 31175295; PubMed 31256876; PubMed 34400385.

NM_004855.5(PIGB):c.73C>T (p.Gln25Ter)

Genes: PIGB (phosphatidylinositol glycan anchor biosynthesis class B; plus strand), LOC130057104 (ATAC-STARR-seq lymphoblastoid active region 9443; plus strand). Cytogenetic location: 15q21.3.
Variant type: single nucleotide variant.
Coding change: c.73C>T on transcript NM_004855.5 (MANE Select); coding-DNA position 73, C replaced by T.
Protein change: p.Gln25Ter; replaces glutamine 25 with a stop codon.
Molecular consequence: nonsense.
Genome position (GRCh38, 1-based): chr15:55,319,323, C>T. VCF-style: chr15-55319323-C-T. GRCh37 (hg19) VCF-style: chr15-55611521-C-T.
Other names: short protein forms Q25*.
Identifiers: ClinVar variation 2098872 (VCV002098872.4), dbSNP rs2543051984, ClinGen allele CA392540943.